The following is an entry in ClinVar:

ClinVar aggregate classification (germline): Benign. Review status: reviewed by expert panel (3 of 4 stars). 2 submissions from 2 submitters: Benign (1). 1 of the submissions does not count toward it. Last evaluated 2015-01-12.

Conditions:
Breast-ovarian cancer, familial, susceptibility to, 2 (BROVCA2). Also called: BRCA2 Hereditary Breast and Ovarian Cancer. Identifiers: Orphanet 145, MedGen C2675520, MONDO:0012933, OMIM 612555. Disease mechanism: loss of function.

Allele frequency attached by ClinVar (database versions not stated): 1000 Genomes Project 30x 0.97564; 1000 Genomes Project 0.97684; TOPMed 0.97878; gnomAD 0.97962 and 0.98098.
gnomAD v4.1: 149,396 of 152,266 alleles (98%); highest among the groups gnomAD compares: East Asian, 100%; 73,353 homozygotes.

Submissions (2):

Evidence-based Network for the Interpretation of Germline Mutant Alleles (ENIGMA)
Classification: Benign for Breast-ovarian cancer, familial 2. Last evaluated: 2015-01-12. Review status: reviewed by expert panel. Criteria: ENIGMA BRCA1/2 Classification Criteria (2015). Collection method: curation. Allele origin: germline.
Comment: Class 1 not pathogenic based on frequency >1% in an outbred sampleset. Frequency 0.911 (African), derived from 1000 genomes (2012-04-30).

GeneDx
Classification: Benign. Last evaluated: 2018-07-09. Review status: criteria provided, single submitter. Criteria: GeneDx Variant Classification Process June 2021. Collection method: clinical testing. Allele origin: germline. Affected: yes. Not counted in ClinVar's aggregate classification.

NM_000059.4(BRCA2):c.9648+244T>C

Gene: BRCA2 (BRCA2 DNA repair associated; plus strand). Cytogenetic location: 13q13.1.
Variant type: single nucleotide variant.
Coding change: c.9648+244T>C on transcript NM_000059.4 (MANE Select); 244 bases into the intron after coding-DNA position 9648, T replaced by C.
Molecular consequence: intron variant.
Genome position (GRCh38, 1-based): chr13:32,397,288, T>C. VCF-style: chr13-32397288-T-C. GRCh37 (hg19) VCF-style: chr13-32971425-T-C.
Other names: IVS 26+244T>C.
Identifiers: ClinVar variation 209964 (VCV000209964.3), dbSNP rs206344, ClinGen allele CA276931.
Genomic context (GRCh38, chr13:32,397,288, plus strand): 5'-CTGGGTGCACACTTTCCAAACAGGTGCTTTCATTTACATGTGATTGAAAAGTGTTTTTTG[T>C]CATTTATTTCACTGTTCCATACAATTAGGGTTGTTTCTAAGCTGTTTGTAAGCTGTTTCT-3'